The following is an entry in ClinVar:

ClinVar aggregate classification (germline): Uncertain significance (1 of 4 stars; one submission).

Submission:

GeneDx
Classification: Uncertain significance. Last evaluated: 2024-06-12. Review status: criteria provided, single submitter. Criteria: GeneDx Variant Classification Process June 2021. Collection method: clinical testing. Allele origin: germline. Affected: yes.
Comment: Not observed at significant frequency in large population cohorts (gnomAD); In silico analysis indicates that this missense variant does not alter protein structure/function; Has not been previously published as pathogenic or benign to our knowledge

NM_032590.5(KDM2B):c.2507C>T (p.Pro836Leu)

Gene: KDM2B (lysine demethylase 2B; minus strand). Cytogenetic location: 12q24.31.
Variant type: single nucleotide variant.
Coding change: c.2507C>T on transcript NM_032590.5 (MANE Select); coding-DNA position 2507, C replaced by T.
Protein change: p.Pro836Leu; replaces proline 836 with leucine.
Molecular consequence: missense variant. On other transcripts: intron variant (1).
Genome position (GRCh38, 1-based): chr12:121,443,738, G>A on the plus strand (C>T on the coding strand, the complement: KDM2B is on the minus strand). VCF-style: chr12-121443738-G-A. GRCh37 (hg19) VCF-style: chr12-121881541-G-A.
Other names: c.2358+274C>T (NM_001005366.2); short protein forms P836L.
Identifiers: ClinVar variation 3390478 (VCV003390478.1).
Genomic context (GRCh38, chr12:121,443,738, plus strand): 5'-ACCTGCTGCTGGAAGTAAGTGAGACTGGATCTCCACCAGGGGCTGAGGCTGCTGCCTAGA[G>A]GGGGCCTCGGCGAGAGGTGAGAGGAGGAACCGGGGGACGTTTGAAGCGATGAGGCCTAAA-3'
Protein context (NP_115979.3, residues 826-846): GSSSHLSPRP[Pro836Leu]LGSSLSPWWR